The following is an entry in ClinVar:

ClinVar aggregate classification (germline): Conflicting classifications of pathogenicity. Review status: criteria provided, conflicting classifications (1 of 4 stars). 3 submissions from 3 submitters: Pathogenic (1); Likely pathogenic (1); Uncertain significance (1). Last evaluated 2024-11-19.

Conditions:
Cerebellar ataxia-hypogonadism syndrome. Also called: Gordon Holmes syndrome; CEREBELLAR ATAXIA AND HYPOGONADOTROPIC HYPOGONADISM; LHRH DEFICIENCY AND ATAXIA; Luteinizing hormone releasing hormone, deficiency of with ataxia; Cerebellar ataxia hypogonadotropic hypogonadism. Identifiers: Orphanet 1173, MedGen C1859305, MONDO:0008935, OMIM 212840.

gnomAD v4.1: 263 of 1,601,262 alleles (0.016%); highest among the groups gnomAD compares: Non-Finnish European, 0.02%; no homozygotes.

Submissions (3):

Blueprint Genetics
Classification: Uncertain significance. Last evaluated: 2024-11-19. Review status: criteria provided, single submitter. Criteria: ACMG Guidelines, 2015. Collection method: clinical testing. Allele origin: germline.

Daryl Scott Lab, Baylor College of Medicine
Classification: Pathogenic for Cerebellar ataxia-hypogonadism syndrome. Last evaluated: 2024-04-01. Review status: criteria provided, single submitter. Criteria: ACMG Guidelines, 2015. Collection method: clinical testing. Allele origin: paternal. Observed: 1 heterozygote.
Comment: PVS1

Department of Pathology and Laboratory Medicine, Sinai Health System
Classification: Likely pathogenic for Cerebellar ataxia-hypogonadism syndrome. Last evaluated: 2022-10-31. Review status: criteria provided, single submitter. Criteria: ACMG Guidelines, 2015. Collection method: research. Allele origin: germline.

NM_207111.4(RNF216):c.1224+2C>T

Gene: RNF216 (ring finger protein 216; minus strand). Cytogenetic location: 7p22.1.
Variant type: single nucleotide variant.
Coding change: c.1224+2C>T on transcript NM_207111.4 (MANE Select); the canonical splice donor site of the intron after coding-DNA position 1224, C replaced by T.
Molecular consequence: splice donor variant.
Genome position (GRCh38, 1-based): chr7:5,730,713, G>A on the plus strand (C>T on the coding strand, the complement: RNF216 is on the minus strand). VCF-style: chr7-5730713-G-A. GRCh37 (hg19) VCF-style: chr7-5770344-G-A.
Other names: c.1053+2C>T (NM_207116.3, NM_001377156.1); c.1224+2C>T (NM_207111.3).
Identifiers: ClinVar variation 3778778 (VCV003778778.3), dbSNP rs374351343.
Genomic context (GRCh38, chr7:5,730,713, plus strand): 5'-ACAACAACAACAAAGCACAGCATTTCCAGGCAGTGACTGCAAAACATGAACATGACACTT[G>A]CCTTTGTCTCATCTTGGCTGGCCAGCAGACTGCTACTGGGATTTATAATGATTCTGTCTT-3'